The following is an entry in ClinVar:

ClinVar aggregate classification (germline): Uncertain significance (1 of 4 stars; one submission).

Submission:

Ambry Genetics
Classification: Uncertain significance. Last evaluated: 2026-07-11. Review status: criteria provided, single submitter. Criteria: Ambry Variant Classification Scheme 2023. Collection method: clinical testing. Allele origin: germline.
Comment: The p.S544Y variant (also known as c.1631C>A), located in coding exon 10 of the GALNT12 gene, results from a C to A substitution at nucleotide position 1631. The serine at codon 544 is replaced by tyrosine, an amino acid with dissimilar properties. This amino acid position is conserved. In addition, the in silico prediction for this alteration is inconclusive. Based on the available evidence, the clinical significance of this variant remains unclear.

NM_024642.5(GALNT12):c.1631C>A (p.Ser544Tyr)

Gene: GALNT12 (polypeptide N-acetylgalactosaminyltransferase 12; plus strand). Cytogenetic location: 9q22.33.
Variant type: single nucleotide variant.
Coding change: c.1631C>A on transcript NM_024642.5 (MANE Select); coding-DNA position 1631, C replaced by A.
Protein change: p.Ser544Tyr; replaces serine 544 with tyrosine.
Molecular consequence: missense variant.
Genome position (GRCh38, 1-based): chr9:98,848,977, C>A. VCF-style: chr9-98848977-C-A. GRCh37 (hg19) VCF-style: chr9-101611259-C-A.
Other names: short protein forms S544Y.
Identifiers: ClinVar variation 5022137 (VCV005022137.1).